The following is an entry in ClinVar:

ClinVar aggregate classification (germline): Benign/Likely benign. Review status: criteria provided, multiple submitters, no conflicts (2 of 4 stars). 2 submissions from 2 submitters: Benign (1); Likely benign (1). Last evaluated 2026-09-09.

Conditions:
LAMA3-related disorder. Also called: LAMA3-related condition; LAMA3-related disorders.

Allele frequency attached by ClinVar (database versions not stated): ExAC 0.00017; TOPMed 0.00022; gnomAD 0.00025.
gnomAD v4.1: 78 of 1,614,188 alleles (0.0048%); highest among the groups gnomAD compares: East Asian, 0.14%; no homozygotes.

Submissions (2):

PreventionGenetics, part of Exact Sciences
Classification: Likely benign for LAMA3-related condition. Last evaluated: 2026-09-09. Review status: criteria provided, single submitter. Criteria: ACMG Guidelines, 2015. Collection method: clinical testing. Allele origin: germline.
Comment: This variant is classified as likely benign based on ACMG/AMP sequence variant interpretation guidelines (Richards et al. 2015 PMID: 25741868, with internal and published modifications).

Labcorp Genetics (formerly Invitae), Labcorp
Classification: Benign. Last evaluated: 2025-12-20. Review status: criteria provided, single submitter. Criteria: Invitae Variant Classification Sherloc (09022015). Collection method: clinical testing. Allele origin: germline.

NM_198129.4(LAMA3):c.8940C>T (p.Thr2980=)

Gene: LAMA3 (laminin subunit alpha 3; plus strand). Cytogenetic location: 18q11.2.
Variant type: single nucleotide variant.
Coding change: c.8940C>T on transcript NM_198129.4 (MANE Select); coding-DNA position 8940, C replaced by T.
Protein change: p.Thr2980=; no amino-acid change (threonine 2980 retained).
Molecular consequence: synonymous variant.
Genome position (GRCh38, 1-based): chr18:23,939,300, C>T. VCF-style: chr18-23939300-C-T. GRCh37 (hg19) VCF-style: chr18-21519264-C-T.
Other names: c.4113C>T, p.Thr1371= (NM_000227.6); c.8772C>T, p.Thr2924= (NM_001127717.4); c.3945C>T, p.Thr1315= (NM_001127718.4).
Identifiers: ClinVar variation 741141 (VCV000741141.11), dbSNP rs748453919, ClinGen allele CA8917039.